The following is an entry in ClinVar:

NM_003978.5(PSTPIP1):c.532A>G (p.Arg178Gly)

Gene: PSTPIP1 (proline-serine-threonine phosphatase interacting protein 1; plus strand). Cytogenetic location: 15q24.3.
Variant type: single nucleotide variant.
Coding change: c.532A>G on transcript NM_003978.5 (MANE Select); coding-DNA position 532, A replaced by G.
Protein change: p.Arg178Gly; replaces arginine 178 with glycine.
Molecular consequence: missense variant. On other transcripts: non-coding transcript variant (1).
Genome position (GRCh38, 1-based): chr15:77,029,544, A>G. VCF-style: chr15-77029544-A-G. GRCh37 (hg19) VCF-style: chr15-77321885-A-G.
Other names: c.532A>G, p.Arg178Gly (NM_001321135.2, NM_001411086.1); c.505A>G, p.Arg169Gly (NM_001321136.2); c.727A>G, p.Arg243Gly (NM_001321137.1); short protein forms R178G, R243G, R169G.
Identifiers: ClinVar variation 1897302 (VCV001897302.5), dbSNP rs774185594, ClinGen allele CA273756594.
Genomic context (GRCh38, chr15:77,029,544, plus strand): 5'-CTCCTGGGGCAGGGGCTTAGCGCTGCTTCCCCTCTGTTTCCTCAGAGTCAGAACAAAGCC[A>G]GGCAGTGCAAGGACTCGGCCACCGAGGCAGGTATGTGGGCCTGGCTGCCCCGTCCGACCA-3'
Protein context (NP_003969.2, residues 168-188): KQVEKSQNKA[Arg178Gly]QCKDSATEAE

ClinVar aggregate classification (germline): Uncertain significance (1 of 4 stars; one submission).

Conditions:
Pyogenic arthritis-pyoderma gangrenosum-acne syndrome (PAPA). Also called: FAMILIAL RECURRENT ARTHRITIS; PAPA SYNDROME. Identifiers: Orphanet 69126, MedGen C1858361, MONDO:0011462, OMIM 604416.

Allele frequency attached by ClinVar (database versions not stated): gnomAD exomes below 0.00001; TOPMed below 0.00001; gnomAD 0.00001.
gnomAD v4.1: 3 of 1,583,358 alleles (0.00019%); highest among the groups gnomAD compares: African/African-American, 0.0013%; no homozygotes.

Submission:

Labcorp Genetics (formerly Invitae), Labcorp
Classification: Uncertain significance for Pyogenic arthritis-pyoderma gangrenosum-acne syndrome. Last evaluated: 2022-10-07. Review status: criteria provided, single submitter. Criteria: Invitae Variant Classification Sherloc (09022015). Collection method: clinical testing. Allele origin: germline.
Comment: In summary, the available evidence is currently insufficient to determine the role of this variant in disease. Therefore, it has been classified as a Variant of Uncertain Significance. Advanced modeling of protein sequence and biophysical properties (such as structural, functional, and spatial information, amino acid conservation, physicochemical variation, residue mobility, and thermodynamic stability) performed at Invitae indicates that this missense variant is not expected to disrupt PSTPIP1 protein function. This variant has not been reported in the literature in individuals affected with PSTPIP1-related conditions. This variant is not present in population databases (gnomAD no frequency). This sequence change replaces arginine, which is basic and polar, with glycine, which is neutral and non-polar, at codon 178 of the PSTPIP1 protein (p.Arg178Gly).